The following is an entry in ClinVar:

ClinVar aggregate classification (germline): Likely benign. Review status: criteria provided, multiple submitters, no conflicts (2 of 4 stars). 2 submissions from 2 submitters: Likely benign (2). Last evaluated 2026-09-04.

Conditions:
UNC45A-related disorder. Also called: UNC45A-related condition.

Allele frequency attached by ClinVar (database versions not stated): TOPMed 0.00001; ExAC 0.00002; gnomAD 0.00002; gnomAD exomes 0.00006.

Submissions (2):

PreventionGenetics, part of Exact Sciences
Classification: Likely benign for UNC45A-related condition. Last evaluated: 2026-09-04. Review status: criteria provided, single submitter. Criteria: ACMG Guidelines, 2015. Collection method: clinical testing. Allele origin: germline.
Comment: This variant is classified as likely benign based on ACMG/AMP sequence variant interpretation guidelines (Richards et al. 2015 PMID: 25741868, with internal and published modifications).

Labcorp Genetics (formerly Invitae), Labcorp
Classification: Likely benign. Last evaluated: 2024-06-23. Review status: criteria provided, single submitter. Criteria: Invitae Variant Classification Sherloc (09022015). Collection method: clinical testing. Allele origin: germline.

NM_018671.5(UNC45A):c.2745T>A (p.Gly915=)

Genes: RCCD1-AS1 (RCCD1 and UNC45A antisense RNA 1; minus strand), UNC45A (unc-45 myosin chaperone A; plus strand). Cytogenetic location: 15q26.1.
Variant type: single nucleotide variant.
Coding change: c.2745T>A on transcript NM_018671.5 (MANE Select); coding-DNA position 2745, T replaced by A.
Protein change: p.Gly915=; no amino-acid change (glycine 915 retained).
Molecular consequence: synonymous variant.
Genome position (GRCh38, 1-based): chr15:90,953,626, T>A. VCF-style: chr15-90953626-T-A. GRCh37 (hg19) VCF-style: chr15-91496856-T-A.
Other names: c.2700T>A, p.Gly900= (NM_001039675.2, NM_001323621.2); c.2745T>A, p.Gly915= (NM_001323619.1); c.2310T>A, p.Gly770= (NM_001323620.2).
Identifiers: ClinVar variation 1903499 (VCV001903499.6), dbSNP rs749869347, ClinGen allele CA7743379.